The following is an entry in ClinVar:

NM_001032382.2(PQBP1):c.53A>G (p.Lys18Arg)

Genes: PQBP1 (polyglutamine binding protein 1; plus strand), LOC130068256 (ATAC-STARR-seq lymphoblastoid active region 29617; plus strand). Cytogenetic location: Xp11.23.
Variant type: single nucleotide variant.
Coding change: c.53A>G on transcript NM_001032382.2 (MANE Select); coding-DNA position 53, A replaced by G.
Protein change: p.Lys18Arg; replaces lysine 18 with arginine.
Molecular consequence: missense variant.
Genome position (GRCh38, 1-based): chrX:48,898,562, A>G. VCF-style: chrX-48898562-A-G. GRCh37 (hg19) VCF-style: chrX-48755845-A-G.
Other names: c.53A>G, p.Lys18Arg (NM_001032381.2, NM_001032383.2, NM_001032384.1 and 5 more transcripts); short protein forms K18R.
Identifiers: ClinVar variation 2911231 (VCV002911231.3), dbSNP rs782388320, ClinGen allele CA10405843.

ClinVar aggregate classification (germline): Uncertain significance (1 of 4 stars; one submission).

Allele frequency attached by ClinVar (database versions not stated): TOPMed below 0.00001; ExAC 0.00001.

Submission:

Labcorp Genetics (formerly Invitae), Labcorp
Classification: Uncertain significance. Last evaluated: 2023-12-12. Review status: criteria provided, single submitter. Criteria: Invitae Variant Classification Sherloc (09022015). Collection method: clinical testing. Allele origin: germline.
Comment: This sequence change replaces lysine, which is basic and polar, with arginine, which is basic and polar, at codon 18 of the PQBP1 protein (p.Lys18Arg). This variant is present in population databases (rs782388320, gnomAD 0.008%), including at least one homozygous and/or hemizygous individual. This variant has not been reported in the literature in individuals affected with PQBP1-related conditions. An algorithm developed to predict the effect of missense changes on protein structure and function (PolyPhen-2) suggests that this variant is likely to be disruptive. In summary, the available evidence is currently insufficient to determine the role of this variant in disease. Therefore, it has been classified as a Variant of Uncertain Significance.